The following is an entry in ClinVar:

NM_001242882.2(NAXD):c.471C>T (p.Asp157=)

Gene: NAXD (NAD(P)HX dehydratase; plus strand). Cytogenetic location: 13q34.
Variant type: single nucleotide variant.
Coding change: c.471C>T on transcript NM_001242882.2 (MANE Select); coding-DNA position 471, C replaced by T.
Protein change: p.Asp157=; no amino-acid change (aspartic acid 157 retained).
Molecular consequence: synonymous variant. On other transcripts: non-coding transcript variant (2).
Genome position (GRCh38, 1-based): chr13:110,634,574, C>T. VCF-style: chr13-110634574-C-T. GRCh37 (hg19) VCF-style: chr13-111286921-C-T.
Other names: c.525C>T (NM_018210.3); c.525C>T, p.Asp175= (NM_001242881.2, NM_018210.4); c.195C>T, p.Asp65= (NM_001242883.2).
Identifiers: ClinVar variation 1542921 (VCV001542921.40), dbSNP rs149987125, ClinGen allele CA7051216.

ClinVar aggregate classification (germline): Benign/Likely benign. Review status: criteria provided, multiple submitters, no conflicts (2 of 4 stars). 4 submissions from 4 submitters: Benign (1); Likely benign (2). 1 of the submissions does not count toward it. Last evaluated 2026-09-01.

Conditions:
NAXD-related disorder. Also called: NAXD-related condition.

Allele frequency attached by ClinVar (database versions not stated): 1000 Genomes Project 30x 0.00078; 1000 Genomes Project 0.00100; ESP Exome Variant Server 0.00284; TOPMed 0.00292; gnomAD exomes 0.00310 and 0.00412; gnomAD 0.00314 and 0.00326; ExAC 0.00340.

Submissions (4):

CeGaT Center for Human Genetics Tuebingen
Classification: Likely benign. Last evaluated: 2026-09-01. Review status: criteria provided, single submitter. Criteria: CeGaT Center For Human Genetics Tuebingen Variant Classification Criteria Version 2. Collection method: clinical testing. Allele origin: germline. Affected: yes. Observed: 19 variant alleles.
Comment: NAXD: BP4, BP7, BS2

Labcorp Genetics (formerly Invitae), Labcorp
Classification: Benign. Last evaluated: 2025-12-29. Review status: criteria provided, single submitter. Criteria: Invitae Variant Classification Sherloc (09022015). Collection method: clinical testing. Allele origin: germline.

Breakthrough Genomics
Classification: Likely benign. Review status: criteria provided, single submitter. Criteria: ACMG Guidelines, 2015. Collection method: not provided. Allele origin: germline. Inheritance: Autosomal recessive inheritance. Affected: yes.

PreventionGenetics, part of Exact Sciences
Classification: Likely benign for NAXD-related condition. Last evaluated: 2019-05-31. Review status: no assertion criteria provided. Collection method: clinical testing. Allele origin: germline. Not counted in ClinVar's aggregate classification.
Comment: This variant is classified as likely benign based on ACMG/AMP sequence variant interpretation guidelines (Richards et al. 2015 PMID: 25741868, with internal and published modifications).